The following is an entry in ClinVar:

ClinVar aggregate classification (germline): Conflicting classifications of pathogenicity. Review status: criteria provided, conflicting classifications (1 of 4 stars). 7 submissions from 7 submitters: Uncertain significance (6); Likely benign (1). Last evaluated 2026-02-11.

Conditions:
Hereditary cancer-predisposing syndrome. Also called: Hereditary neoplastic syndrome; Neoplastic Syndromes, Hereditary; Tumor predisposition; Hereditary Cancer Syndrome. Identifiers: Orphanet 140162, MedGen C0027672, MeSH D009386, MONDO:0015356.
Breast-ovarian cancer, familial, susceptibility to, 2 (BROVCA2). Also called: BRCA2 Hereditary Breast and Ovarian Cancer. Identifiers: Orphanet 145, MedGen C2675520, MONDO:0012933, OMIM 612555. Disease mechanism: loss of function.
Hereditary breast ovarian cancer syndrome. Also called: BRCA1- and BRCA2-Associated Hereditary Breast and Ovarian Cancer; Hereditary breast and ovarian cancer; Breast and ovarian cancer; Hereditary breast and/or ovarian cancer syndrome; Hereditary breast and ovarian cancer syndrome; Hereditary breast and ovarian cancer syndrome (HBOC). Identifiers: Orphanet 145, MedGen C0677776, MeSH D061325, MONDO:0003582. Disease mechanism: loss of function.

Allele frequency attached by ClinVar (database versions not stated): gnomAD exomes below 0.00001.
gnomAD v4.1: 1 of 1,613,830 alleles (0.000062%); highest among the groups gnomAD compares: Non-Finnish European, 0.000085%; no homozygotes.

Submissions (7):

St. Jude Molecular Pathology, St. Jude Children's Research Hospital
Classification: Uncertain significance for Breast-ovarian cancer, familial, susceptibility to, 2. Last evaluated: 2026-02-11. Review status: criteria provided, single submitter. Criteria: St. Jude Assertion Criteria 2020. Collection method: clinical testing. Allele origin: germline.
Comment: The BRCA2 c.8860T> C p.(Ser2954Pro) missense change is absent in gnomAD v2.1.1. The in silico tool REVEL predicts a benign effect on protein function, but to our knowledge this prediction has not been confirmed by functional studies. To our knowledge, this variant has not been reported in individuals with BRCA2-related disease. In summary, the evidence currently available is insufficient to determine the clinical significance of this variant. It has therefore been classified as of uncertain significance.

Quest Diagnostics Nichols Institute San Juan Capistrano
Classification: Uncertain significance. Last evaluated: 2025-08-29. Review status: criteria provided, single submitter. Criteria: Quest Diagnostics criteria. Collection method: clinical testing. Allele origin: unknown.
Comment: The BRCA2 c.8860T>C (p.Ser2954Pro) variant has not been reported in individuals with BRCA2-related conditions in the published literature. This variant has not been reported in large, multi-ethnic general populations (Genome Aggregation Database). Analysis of this variant using bioinformatics tools for the prediction of the effect of amino acid changes on protein structure and function yielded conflicting predictions that this variant is benign or damaging. Based on the available information, we are unable to determine the clinical significance of this variant.

Ambry Genetics
Classification: Likely benign for Hereditary cancer-predisposing syndrome. Last evaluated: 2025-05-15. Review status: criteria provided, single submitter. Criteria: Ambry Variant Classification Scheme 2023. Collection method: clinical testing. Allele origin: germline.

Labcorp Genetics (formerly Invitae), Labcorp
Classification: Uncertain significance for Hereditary breast ovarian cancer syndrome. Last evaluated: 2023-11-01. Review status: criteria provided, single submitter. Criteria: Invitae Variant Classification Sherloc (09022015). Collection method: clinical testing. Allele origin: germline.
Comment: This sequence change replaces serine, which is neutral and polar, with proline, which is neutral and non-polar, at codon 2954 of the BRCA2 protein (p.Ser2954Pro). This variant is not present in population databases (gnomAD no frequency). This variant has not been reported in the literature in individuals affected with BRCA2-related conditions. ClinVar contains an entry for this variant (Variation ID: 279707). Advanced modeling of protein sequence and biophysical properties (such as structural, functional, and spatial information, amino acid conservation, physicochemical variation, residue mobility, and thermodynamic stability) performed at Invitae indicates that this missense variant is not expected to disrupt BRCA2 protein function with a negative predictive value of 95%. In summary, the available evidence is currently insufficient to determine the role of this variant in disease. Therefore, it has been classified as a Variant of Uncertain Significance.

Color Diagnostics, LLC DBA Color Health
Classification: Uncertain significance for Hereditary cancer-predisposing syndrome. Last evaluated: 2019-05-05. Review status: criteria provided, single submitter. Criteria: ACMG Guidelines, 2015. Collection method: clinical testing. Allele origin: germline.

ARUP Laboratories, Molecular Genetics and Genomics, ARUP Laboratories
Classification: Uncertain significance. Last evaluated: 2016-09-12. Review status: criteria provided, single submitter. Criteria: ARUP Molecular Germline Variant Investigation Process. Collection method: clinical testing. Allele origin: germline.

GeneDx
Classification: Uncertain significance. Last evaluated: 2016-08-08. Review status: criteria provided, single submitter. Criteria: GeneDx Variant Classification (06012015). Collection method: clinical testing. Allele origin: germline. Affected: yes.
Comment: This variant is denoted BRCA2 c.8860T>C at the cDNA level, p.Ser2954Pro (S2954P) at the protein level, and results in the change of a Serine to a Proline (TCT>CCT). Using alternate nomenclature, this variant would be defined as BRCA2 9088T>C. This variant has not, to our knowledge, been published in the literature as pathogenic or benign. BRCA2 Ser2954Pro was not observed in approximately 6,500 individuals of European and African American ancestry in the NHLBI Exome Sequencing Project, suggesting it is not a common benign variant in these populations. Since Serine and Proline differ in polarity, charge, size or other properties, this is considered a non-conservative amino acid substitution. BRCA2 Ser2954Pro occurs at a position that is not conserved and is located in the DNA binding domain (Yang 2002). In silico analyses are inconsistent regarding the effect this variant may have on protein structure and function. Based on currently available evidence, it is unclear whether BRCA2 Ser2954Pro is pathogenic or benign. We consider it to be a variant of uncertain significance.

NM_000059.4(BRCA2):c.8860T>C (p.Ser2954Pro)

Gene: BRCA2 (BRCA2 DNA repair associated; plus strand). Cytogenetic location: 13q13.1.
Variant type: single nucleotide variant.
Coding change: c.8860T>C on transcript NM_000059.4 (MANE Select); coding-DNA position 8860, T replaced by C.
Protein change: p.Ser2954Pro; replaces serine 2954 with proline.
Molecular consequence: missense variant.
Genome position (GRCh38, 1-based): chr13:32,379,422, T>C. VCF-style: chr13-32379422-T-C. GRCh37 (hg19) VCF-style: chr13-32953559-T-C.
Other names: short protein forms S2954P.
Identifiers: ClinVar variation 279707 (VCV000279707.26), dbSNP rs886041145, ClinGen allele CA10603184.